The following is an entry in ClinVar:

NM_006904.7(PRKDC):c.9866G>A (p.Arg3289Gln)

Gene: PRKDC (protein kinase, DNA-activated, catalytic subunit; minus strand). Cytogenetic location: 8q11.21.
Variant type: single nucleotide variant.
Coding change: c.9866G>A on transcript NM_006904.7 (MANE Select); coding-DNA position 9866, G replaced by A.
Protein change: p.Arg3289Gln; replaces arginine 3289 with glutamine.
Molecular consequence: missense variant.
Genome position (GRCh38, 1-based): chr8:47,803,362, C>T on the plus strand (G>A on the coding strand, the complement: PRKDC is on the minus strand). VCF-style: chr8-47803362-C-T. GRCh37 (hg19) VCF-style: chr8-48715923-C-T.
Other names: c.9866G>A, p.Arg3289Gln (NM_001081640.2); short protein forms R3289Q.
Identifiers: ClinVar variation 2199848 (VCV002199848.4), dbSNP rs567582432, ClinGen allele CA4739468.

ClinVar aggregate classification (germline): Uncertain significance (1 of 4 stars; one submission).

Conditions:
Severe combined immunodeficiency due to DNA-PKcs deficiency. Also called: IMMUNODEFICIENCY 26 WITH NEUROLOGIC ABNORMALITIES; Immunodeficiency 26 with or without neurologic abnormalities. Identifiers: Orphanet 317425, MedGen C4014833, MONDO:0014423, OMIM 615966.

Allele frequency attached by ClinVar (database versions not stated): gnomAD 0.00001; gnomAD exomes 0.00001; TOPMed 0.00001; ExAC 0.00002; 1000 Genomes Project 0.00020; 1000 Genomes Project 30x 0.00031.
gnomAD v4.1: 22 of 1,614,020 alleles (0.0014%); highest among the groups gnomAD compares: African/African-American, 0.0053%; no homozygotes.

Submission:

Labcorp Genetics (formerly Invitae), Labcorp
Classification: Uncertain significance for Severe combined immunodeficiency due to DNA-PKcs deficiency. Last evaluated: 2022-12-02. Review status: criteria provided, single submitter. Criteria: Invitae Variant Classification Sherloc (09022015). Collection method: clinical testing. Allele origin: germline.
Comment: In summary, the available evidence is currently insufficient to determine the role of this variant in disease. Therefore, it has been classified as a Variant of Uncertain Significance. Advanced modeling of protein sequence and biophysical properties (such as structural, functional, and spatial information, amino acid conservation, physicochemical variation, residue mobility, and thermodynamic stability) performed at Invitae indicates that this missense variant is not expected to disrupt PRKDC protein function. This variant has not been reported in the literature in individuals affected with PRKDC-related conditions. This variant is present in population databases (rs567582432, gnomAD 0.003%). This sequence change replaces arginine, which is basic and polar, with glutamine, which is neutral and polar, at codon 3289 of the PRKDC protein (p.Arg3289Gln).